The following is an entry in ClinVar:

NM_206933.4(USH2A):c.1666T>C (p.Tyr556His)

Gene: USH2A (usherin; minus strand). Cytogenetic location: 1q41.
Variant type: single nucleotide variant.
Coding change: c.1666T>C on transcript NM_206933.4 (MANE Select); coding-DNA position 1666, T replaced by C.
Protein change: p.Tyr556His; replaces tyrosine 556 with histidine.
Molecular consequence: missense variant.
Genome position (GRCh38, 1-based): chr1:216,292,349, A>G on the plus strand (T>C on the coding strand, the complement: USH2A is on the minus strand). VCF-style: chr1-216292349-A-G. GRCh37 (hg19) VCF-style: chr1-216465691-A-G.
Other names: c.1666T>C, p.Tyr556His (NM_007123.6); short protein forms Y556H.
Identifiers: ClinVar variation 944734 (VCV000944734.5), dbSNP rs1222582781, ClinGen allele CA344903519.

ClinVar aggregate classification (germline): Uncertain significance. Review status: criteria provided, multiple submitters, no conflicts (2 of 4 stars). 3 submissions from 3 submitters: Uncertain significance (2). 1 of the submissions does not count toward it. Last evaluated 2022-04-15.

Conditions:
Usher syndrome type 2A. Also called: USHER SYNDROME, TYPE IIA; RETINAL DISEASE IN USHER SYNDROME TYPE IIA, MODIFIER OF. Identifiers: Orphanet 231178, Orphanet 886, MedGen C1848634, MONDO:0010169, OMIM 276901.

Allele frequency attached by ClinVar (database versions not stated): gnomAD 0.00001; TOPMed 0.00003.
gnomAD v4.1: 2 of 1,613,886 alleles (0.00012%); highest among the groups gnomAD compares: Admixed American, 0.0017%; no homozygotes.

Submissions (3):

Labcorp Genetics (formerly Invitae), Labcorp
Classification: Uncertain significance. Last evaluated: 2022-04-15. Review status: criteria provided, single submitter. Criteria: Invitae Variant Classification Sherloc (09022015). Collection method: clinical testing. Allele origin: germline.
Comment: This sequence change replaces tyrosine, which is neutral and polar, with histidine, which is basic and polar, at codon 556 of the USH2A protein (p.Tyr556His). This variant is not present in population databases (gnomAD no frequency). This variant has not been reported in the literature in individuals affected with USH2A-related conditions. ClinVar contains an entry for this variant (Variation ID: 944734). Algorithms developed to predict the effect of missense changes on protein structure and function (SIFT, PolyPhen-2, Align-GVGD) all suggest that this variant is likely to be disruptive. In summary, the available evidence is currently insufficient to determine the role of this variant in disease. Therefore, it has been classified as a Variant of Uncertain Significance.

Breakthrough Genomics
Classification: Uncertain significance. Review status: criteria provided, single submitter. Criteria: ACMG Guidelines, 2015. Collection method: not provided. Allele origin: germline. Inheritance: Autosomal recessive inheritance. Affected: yes.

Natera, Inc.
Classification: Uncertain significance for Usher syndrome type 2A. Last evaluated: 2020-01-17. Review status: no assertion criteria provided. Collection method: clinical testing. Allele origin: germline. Not counted in ClinVar's aggregate classification.